The following is an entry in ClinVar:

ClinVar aggregate classification (germline): Uncertain significance. Review status: criteria provided, multiple submitters, no conflicts (2 of 4 stars). 2 submissions from 2 submitters: Uncertain significance (2). Last evaluated 2025-10-21.

Allele frequency attached by ClinVar (database versions not stated): ExAC 0.00004; gnomAD 0.00004; gnomAD exomes 0.00004 and 0.00011; TOPMed 0.00005.
gnomAD v4.1: 180 of 1,551,804 alleles (0.012%); highest among the groups gnomAD compares: Non-Finnish European, 0.014%; no homozygotes.

Submissions (2):

Ambry Genetics
Classification: Uncertain significance. Last evaluated: 2025-10-21. Review status: criteria provided, single submitter. Criteria: Ambry Variant Classification Scheme 2023. Collection method: clinical testing. Allele origin: germline.

Labcorp Genetics (formerly Invitae), Labcorp
Classification: Uncertain significance. Last evaluated: 2025-02-20. Review status: criteria provided, single submitter. Criteria: Invitae Variant Classification Sherloc (09022015). Collection method: clinical testing. Allele origin: germline.
Comment: This sequence change replaces proline, which is neutral and non-polar, with serine, which is neutral and polar, at codon 218 of the DTHD1 protein (p.Pro218Ser). This variant is present in population databases (rs773778842, gnomAD 0.01%). This variant has not been reported in the literature in individuals affected with DTHD1-related conditions. ClinVar contains an entry for this variant (Variation ID: 961012). An algorithm developed to predict the effect of missense changes on protein structure and function (PolyPhen-2) suggests that this variant is likely to be disruptive. In summary, the available evidence is currently insufficient to determine the role of this variant in disease. Therefore, it has been classified as a Variant of Uncertain Significance.

NM_001170700.3(DTHD1):c.1522C>T (p.Pro508Ser)

Gene: DTHD1 (death domain containing 1; plus strand). Cytogenetic location: 4p14.
Variant type: single nucleotide variant.
Coding change: c.1522C>T on transcript NM_001170700.3 (MANE Select); coding-DNA position 1522, C replaced by T.
Protein change: p.Pro508Ser; replaces proline 508 with serine.
Molecular consequence: missense variant. On other transcripts: non-coding transcript variant (2).
Genome position (GRCh38, 1-based): chr4:36,294,918, C>T. VCF-style: chr4-36294918-C-T. GRCh37 (hg19) VCF-style: chr4-36296540-C-T.
Other names: c.652C>T, p.Pro218Ser (NM_001136536.5); c.589C>T, p.Pro197Ser (NM_001378435.1); c.1147C>T (NM_001170700.1); short protein forms P197S, P218S, P508S.
Identifiers: ClinVar variation 961012 (VCV000961012.9), dbSNP rs773778842, ClinGen allele CA2885645.
Genomic context (GRCh38, chr4:36,294,918, plus strand): 5'-GTCCAATCCACAAGCCCTCTGATTCACATTCAGCACCCATCAACTTATCCTTTTCAGAAG[C>T]CAGTCACTTTGTTTTTACCTTGTTCTCCATACCTTGATAAAAACAACCTTGGTTCTGAGA-3'
Protein context (NP_001164171.2, residues 498-518): QHPSTYPFQK[Pro508Ser]VTLFLPCSPY